The following is an entry in ClinVar:

ClinVar aggregate classification (germline): Uncertain significance (1 of 4 stars; one submission).

gnomAD v4.1: 1 of 1,613,810 alleles (0.000062%); highest among the groups gnomAD compares: Non-Finnish European, 0.000085%; no homozygotes.

Submission:

Mayo Clinic Laboratories, Mayo Clinic
Classification: Uncertain significance. Last evaluated: 2025-09-06. Review status: criteria provided, single submitter. Criteria: ACMG Guidelines, 2015. Collection method: clinical testing. Allele origin: germline. Observed: 1 variant allele.
Comment: PP3, PM2_supporting

NM_000081.4(LYST):c.4709A>G (p.Asp1570Gly)

Gene: LYST (lysosomal trafficking regulator; minus strand). Cytogenetic location: 1q42.3.
Variant type: single nucleotide variant.
Coding change: c.4709A>G on transcript NM_000081.4 (MANE Select); coding-DNA position 4709, A replaced by G.
Protein change: p.Asp1570Gly; replaces aspartic acid 1570 with glycine.
Molecular consequence: missense variant.
Genome position (GRCh38, 1-based): chr1:235,787,353, T>C on the plus strand (A>G on the coding strand, the complement: LYST is on the minus strand). VCF-style: chr1-235787353-T-C. GRCh37 (hg19) VCF-style: chr1-235950653-T-C.
Other names: p.Asp1570Gly; c.4709A>G, p.Asp1570Gly (NM_001301365.1); short protein forms D1570G.
Identifiers: ClinVar variation 4542415 (VCV004542415.1).